The following is an entry in ClinVar:

NM_001365999.1(SZT2):c.2146G>A (p.Gly716Arg)

Gene: SZT2 (SZT2 subunit of KICSTOR complex; plus strand). Cytogenetic location: 1p34.2.
Variant type: single nucleotide variant.
Coding change: c.2146G>A on transcript NM_001365999.1 (MANE Select); coding-DNA position 2146, G replaced by A.
Protein change: p.Gly716Arg; replaces glycine 716 with arginine.
Molecular consequence: missense variant.
Genome position (GRCh38, 1-based): chr1:43,423,207, G>A. VCF-style: chr1-43423207-G-A. GRCh37 (hg19) VCF-style: chr1-43888878-G-A.
Other names: c.2146G>A, p.Gly716Arg (NM_015284.4); short protein forms G716R.
Identifiers: ClinVar variation 1493609 (VCV001493609.7), dbSNP rs1267685305, ClinGen allele CA340011205.

ClinVar aggregate classification (germline): Uncertain significance. Review status: criteria provided, multiple submitters, no conflicts (2 of 4 stars). 2 submissions from 2 submitters: Uncertain significance (2). Last evaluated 2024-08-05.

Allele frequency attached by ClinVar (database versions not stated): gnomAD exomes 0.00001.
gnomAD v4.1: 4 of 1,597,460 alleles (0.00025%); highest among the groups gnomAD compares: Admixed American, 0.005%; no homozygotes.

Submissions (2):

Labcorp Genetics (formerly Invitae), Labcorp
Classification: Uncertain significance. Last evaluated: 2024-08-05. Review status: criteria provided, single submitter. Criteria: Invitae Variant Classification Sherloc (09022015). Collection method: clinical testing. Allele origin: germline.
Comment: This sequence change replaces glycine, which is neutral and non-polar, with arginine, which is basic and polar, at codon 716 of the SZT2 protein (p.Gly716Arg). This variant is not present in population databases (gnomAD no frequency). This variant has not been reported in the literature in individuals affected with SZT2-related conditions. ClinVar contains an entry for this variant (Variation ID: 1493609). An algorithm developed to predict the effect of missense changes on protein structure and function (PolyPhen-2) suggests that this variant is likely to be disruptive. In summary, the available evidence is currently insufficient to determine the role of this variant in disease. Therefore, it has been classified as a Variant of Uncertain Significance.

Blueprint Genetics
Classification: Uncertain significance. Last evaluated: 2022-06-16. Review status: criteria provided, single submitter. Criteria: ACMG Guidelines, 2015. Collection method: clinical testing. Allele origin: germline.